The following is an entry in ClinVar:

ClinVar aggregate classification (germline): Uncertain significance (1 of 4 stars; one submission).

Submission:

Labcorp Genetics (formerly Invitae), Labcorp
Classification: Uncertain significance. Last evaluated: 2022-07-14. Review status: criteria provided, single submitter. Criteria: Invitae Variant Classification Sherloc (09022015). Collection method: clinical testing. Allele origin: germline.
Comment: The frequency data for this variant in the population databases is considered unreliable, as metrics indicate poor data quality at this position in the gnomAD database. This sequence change replaces serine, which is neutral and polar, with leucine, which is neutral and non-polar, at codon 149 of the FGF9 protein (p.Ser149Leu). In summary, the available evidence is currently insufficient to determine the role of this variant in disease. Therefore, it has been classified as a Variant of Uncertain Significance. Algorithms developed to predict the effect of missense changes on protein structure and function are either unavailable or do not agree on the potential impact of this missense change (SIFT: "Not Available"; PolyPhen-2: "Probably Damaging"; Align-GVGD: "Not Available"). This variant has not been reported in the literature in individuals affected with FGF9-related conditions.

NM_002010.3(FGF9):c.446_447inv (p.Ser149Leu)

Gene: FGF9 (fibroblast growth factor 9; plus strand). Cytogenetic location: 13q12.11.
Variant type: Inversion.
Coding change: c.446_447inv on transcript NM_002010.3 (MANE Select).
Protein change: p.Ser149Leu; replaces serine 149 with leucine.
Molecular consequence: missense variant.
Genome position: GRCh38 VCF-style: chr13-21701254-CA-TG. GRCh37 (hg19) VCF-style: chr13-22275393-CA-TG.
Other names: short protein forms S149L.
Identifiers: ClinVar variation 2133110 (VCV002133110.4), ClinGen allele CA2580086797.
Genomic context (GRCh38, chr13:21,701,254, plus strand): 5'-AACTAACCCAAGAGTGTGTATTCAGAGAACAGTTCGAAGAAAACTGGTATAATACGTACT[CA>TG]TCAAACCTATATAAGCACGTGGACACTGGAAGGCGATACTATGTTGCATTAAATAAAGAT-3'
Protein context (NP_002001.1, residues 139-159): QFEENWYNTY[Ser149Leu]SNLYKHVDTG